The following is an entry in ClinVar:

NM_000395.3(CSF2RB):c.217G>A (p.Val73Met)

Genes: CSF2RB (colony stimulating factor 2 receptor subunit beta; plus strand), LOC126863140 (BRD4-independent group 4 enhancer GRCh37_chr22:37321546-37322745; plus strand). Cytogenetic location: 22q12.3.
Variant type: single nucleotide variant.
Coding change: c.217G>A on transcript NM_000395.3 (MANE Select); coding-DNA position 217, G replaced by A.
Protein change: p.Val73Met; replaces valine 73 with methionine.
Molecular consequence: missense variant.
Genome position (GRCh38, 1-based): chr22:36,926,003, G>A. VCF-style: chr22-36926003-G-A. GRCh37 (hg19) VCF-style: chr22-37322045-G-A.
Other names: c.217G>A, p.Val73Met (NM_001410827.1); short protein forms V73M.
Identifiers: ClinVar variation 4769135 (VCV004769135.1).

ClinVar aggregate classification (germline): Uncertain significance (1 of 4 stars; one submission).

Submission:

Labcorp Genetics (formerly Invitae), Labcorp
Classification: Uncertain significance. Last evaluated: 2025-03-26. Review status: criteria provided, single submitter. Criteria: Invitae Variant Classification Sherloc (09022015). Collection method: clinical testing. Allele origin: germline.
Comment: This sequence change replaces valine, which is neutral and non-polar, with methionine, which is neutral and non-polar, at codon 73 of the CSF2RB protein (p.Val73Met). This variant is present in population databases (rs368581091, gnomAD 0.0009%). This variant has not been reported in the literature in individuals affected with CSF2RB-related conditions. Invitae Evidence Modeling of protein sequence and biophysical properties (such as structural, functional, and spatial information, amino acid conservation, physicochemical variation, residue mobility, and thermodynamic stability) has been performed for this missense variant. However, the output from this modeling did not meet the statistical confidence thresholds required to predict the impact of this variant on CSF2RB protein function. In summary, the available evidence is currently insufficient to determine the role of this variant in disease. Therefore, it has been classified as a Variant of Uncertain Significance.